The following is an entry in ClinVar:

NM_018714.3(COG1):c.2485A>C (p.Ser829Arg)

Gene: COG1 (component of oligomeric golgi complex 1; plus strand). Cytogenetic location: 17q25.1.
Variant type: single nucleotide variant.
Coding change: c.2485A>C on transcript NM_018714.3 (MANE Select); coding-DNA position 2485, A replaced by C.
Protein change: p.Ser829Arg; replaces serine 829 with arginine.
Molecular consequence: missense variant.
Genome position (GRCh38, 1-based): chr17:73,205,655, A>C. VCF-style: chr17-73205655-A-C. GRCh37 (hg19) VCF-style: chr17-71201794-A-C.
Other names: short protein forms S829R.
Identifiers: ClinVar variation 889030 (VCV000889030.9), dbSNP rs199752799, ClinGen allele CA8740483.
Genomic context (GRCh38, chr17:73,205,655, plus strand): 5'-CTGCTTTATGATCTGCGTTACCTCAACATTGTTCTGACAGCCAAGGGTGACGAGGTGAAG[A>C]GTGGCCGGAGCAAGCCAGACTCCAGGTGTCGTATCCTCTAGGGAGCTATGTCAAGGCGGT-3'
Protein context (NP_061184.1, residues 819-839): VLTAKGDEVK[Ser829Arg]GRSKPDSRIE

ClinVar aggregate classification (germline): Conflicting classifications of pathogenicity. Review status: criteria provided, conflicting classifications (1 of 4 stars). 3 submissions from 3 submitters: Uncertain significance (2); Likely benign (1). Last evaluated 2026-08-01.

Conditions:
COG1 congenital disorder of glycosylation (CDG2G). Also called: CONGENITAL DISORDER OF GLYCOSYLATION, TYPE IIg; CDG IIg; CDGII/COG1 CEREBROCOSTOMANDIBULAR-LIKE SYNDROME. Identifiers: Orphanet 263508, MedGen C2931011, MONDO:0012637, OMIM 611209.

Allele frequency attached by ClinVar (database versions not stated): TOPMed 0.00005; gnomAD exomes 0.00006 and 0.00009; ExAC 0.00007; gnomAD 0.00007 and 0.00009; ESP Exome Variant Server 0.00015.
gnomAD v4.1: 105 of 1,613,766 alleles (0.0065%); highest among the groups gnomAD compares: Non-Finnish European, 0.0074%; no homozygotes.

Submissions (3):

CeGaT Center for Human Genetics Tuebingen
Classification: Likely benign. Last evaluated: 2026-08-01. Review status: criteria provided, single submitter. Criteria: CeGaT Center For Human Genetics Tuebingen Variant Classification Criteria Version 2. Collection method: clinical testing. Allele origin: germline. Affected: yes. Observed: 1 variant allele.
Comment: COG1: BP4

Labcorp Genetics (formerly Invitae), Labcorp
Classification: Uncertain significance for COG1 congenital disorder of glycosylation. Last evaluated: 2024-11-01. Review status: criteria provided, single submitter. Criteria: Invitae Variant Classification Sherloc (09022015). Collection method: clinical testing. Allele origin: germline.
Comment: This sequence change replaces serine, which is neutral and polar, with arginine, which is basic and polar, at codon 829 of the COG1 protein (p.Ser829Arg). This variant is present in population databases (rs199752799, gnomAD 0.03%). This variant has not been reported in the literature in individuals affected with COG1-related conditions. ClinVar contains an entry for this variant (Variation ID: 889030). Invitae Evidence Modeling of protein sequence and biophysical properties (such as structural, functional, and spatial information, amino acid conservation, physicochemical variation, residue mobility, and thermodynamic stability) indicates that this missense variant is not expected to disrupt COG1 protein function with a negative predictive value of 80%. In summary, the available evidence is currently insufficient to determine the role of this variant in disease. Therefore, it has been classified as a Variant of Uncertain Significance.

Illumina Laboratory Services, Illumina
Classification: Uncertain significance for COG1 congenital disorder of glycosylation. Last evaluated: 2018-01-15. Review status: criteria provided, single submitter. Criteria: ICSL Variant Classification Criteria 13 December 2019. Collection method: clinical testing. Allele origin: germline.